The following is an entry in ClinVar:

NM_001130009.3(GEN1):c.1564A>G (p.Ile522Val)

Gene: GEN1 (GEN1 Holliday junction 5' flap endonuclease; plus strand). Cytogenetic location: 2p24.2.
Variant type: single nucleotide variant.
Coding change: c.1564A>G on transcript NM_001130009.3 (MANE Select); coding-DNA position 1564, A replaced by G.
Protein change: p.Ile522Val; replaces isoleucine 522 with valine.
Molecular consequence: missense variant.
Genome position (GRCh38, 1-based): chr2:17,780,776, A>G. VCF-style: chr2-17780776-A-G. GRCh37 (hg19) VCF-style: chr2-17962043-A-G.
Other names: c.1564A>G, p.Ile522Val (NM_182625.5); short protein forms I522V.
Identifiers: ClinVar variation 3519753 (VCV003519753.1).

ClinVar aggregate classification (germline): Uncertain significance (1 of 4 stars; one submission).

gnomAD v4.1: 3 of 1,614,006 alleles (0.00019%); highest among the groups gnomAD compares: Non-Finnish European, 0.00017%; no homozygotes.

Submission:

Ambry Genetics
Classification: Uncertain significance. Last evaluated: 2024-11-28. Review status: criteria provided, single submitter. Criteria: Ambry Variant Classification Scheme 2023. Collection method: clinical testing. Allele origin: germline.
Comment: The p.I522V variant (also known as c.1564A>G), located in coding exon 13 of the GEN1 gene, results from an A to G substitution at nucleotide position 1564. The isoleucine at codon 522 is replaced by valine, an amino acid with highly similar properties. This amino acid position is conserved. In addition, this alteration is predicted to be tolerated by in silico analysis. Based on the available evidence, the clinical significance of this variant remains unclear.